The following is an entry in ClinVar:

NM_001377.3(DYNC2H1):c.1322G>A (p.Arg441Lys)

Gene: DYNC2H1 (dynein cytoplasmic 2 heavy chain 1; plus strand). Cytogenetic location: 11q22.3.
Variant type: single nucleotide variant.
Coding change: c.1322G>A on transcript NM_001377.3 (MANE Select); coding-DNA position 1322, G replaced by A.
Protein change: p.Arg441Lys; replaces arginine 441 with lysine.
Molecular consequence: missense variant.
Genome position (GRCh38, 1-based): chr11:103,120,998, G>A. VCF-style: chr11-103120998-G-A. GRCh37 (hg19) VCF-style: chr11-102991727-G-A.
Other names: c.1322G>A, p.Arg441Lys (NM_001080463.2); short protein forms R441K.
Identifiers: ClinVar variation 1431102 (VCV001431102.8), dbSNP rs2134715900, ClinGen allele CA382251415.

ClinVar aggregate classification (germline): Uncertain significance (1 of 4 stars; one submission).

Conditions:
Jeune thoracic dystrophy. Also called: Short-rib thoracic dysplasia; Jeune syndrome; Infantile thoracic dystrophy; Thoracic pelvic phalangeal dystrophy; Jeune's syndrome; Chondroectodermal dysplasia-like syndrome. Identifiers: Orphanet 474, MedGen C0265275, MONDO:0018770.

Submission:

Labcorp Genetics (formerly Invitae), Labcorp
Classification: Uncertain significance for Jeune thoracic dystrophy. Last evaluated: 2021-09-09. Review status: criteria provided, single submitter. Criteria: Invitae Variant Classification Sherloc (09022015). Collection method: clinical testing. Allele origin: germline.
Comment: This sequence change replaces arginine with lysine at codon 441 of the DYNC2H1 protein (p.Arg441Lys). The arginine residue is highly conserved and there is a small physicochemical difference between arginine and lysine. This variant is not present in population databases (ExAC no frequency). This variant has not been reported in the literature in individuals with DYNC2H1-related conditions. Advanced modeling of protein sequence and biophysical properties (such as structural, functional, and spatial information, amino acid conservation, physicochemical variation, residue mobility, and thermodynamic stability) performed at Invitae indicates that this missense variant is not expected to disrupt DYNC2H1 protein function. In summary, the available evidence is currently insufficient to determine the role of this variant in disease. Therefore, it has been classified as a Variant of Uncertain Significance.